The following is an entry in ClinVar:

NM_003907.3(EIF2B5):c.1156+1G>A

Gene: EIF2B5 (eukaryotic translation initiation factor 2B subunit epsilon; plus strand). Cytogenetic location: 3q27.1.
Variant type: single nucleotide variant.
Coding change: c.1156+1G>A on transcript NM_003907.3 (MANE Select); the canonical splice donor site of the intron after coding-DNA position 1156, G replaced by A.
Molecular consequence: splice donor variant.
Genome position (GRCh38, 1-based): chr3:184,140,731, G>A. VCF-style: chr3-184140731-G-A. GRCh37 (hg19) VCF-style: chr3-183858519-G-A.
Identifiers: ClinVar variation 3661504 (VCV003661504.2).

ClinVar aggregate classification (germline): Likely pathogenic (1 of 4 stars; one submission).

gnomAD v4.1: 1 of 1,613,966 alleles (0.000062%); highest among the groups gnomAD compares: Non-Finnish European, 0.000085%; no homozygotes.

Submission:

Labcorp Genetics (formerly Invitae), Labcorp
Classification: Likely pathogenic. Last evaluated: 2025-10-01. Review status: criteria provided, single submitter. Criteria: Invitae Variant Classification Sherloc (09022015). Collection method: clinical testing. Allele origin: germline.
Comment: This sequence change affects a donor splice site in intron 7 of the EIF2B5 gene. It is expected to disrupt RNA splicing. Variants that disrupt the donor or acceptor splice site typically lead to a loss of protein function (PMID: 16199547), and loss-of-function variants in EIF2B5 are known to be pathogenic (PMID: 11704758, 15060152, 21307862). This variant is not present in population databases (gnomAD no frequency). This variant has not been reported in the literature in individuals affected with EIF2B5-related conditions. ClinVar contains an entry for this variant (Variation ID: 3661504). Algorithms developed to predict the effect of sequence changes on RNA splicing suggest that this variant may disrupt the consensus splice site. In summary, the currently available evidence indicates that the variant is pathogenic, but additional data are needed to prove that conclusively. Therefore, this variant has been classified as Likely Pathogenic.

Literature cited by the submitters: PubMed 16199547; PubMed 11704758; PubMed 15060152; PubMed 21307862.